The following is an entry in ClinVar:

ClinVar aggregate classification (germline): Uncertain significance (1 of 4 stars; one submission).

Allele frequency attached by ClinVar (database versions not stated): gnomAD 0.00002 and 0.00003; TOPMed 0.00003; ESP Exome Variant Server 0.00008.
gnomAD v4.1: 4 of 1,613,934 alleles (0.00025%); highest among the groups gnomAD compares: African/African-American, 0.0053%; no homozygotes.

Submission:

Labcorp Genetics (formerly Invitae), Labcorp
Classification: Uncertain significance. Last evaluated: 2019-07-30. Review status: criteria provided, single submitter. Criteria: Invitae Variant Classification Sherloc (09022015). Collection method: clinical testing. Allele origin: germline.
Comment: In summary, the available evidence is currently insufficient to determine the role of this variant in disease. Therefore, it has been classified as a Variant of Uncertain Significance. Algorithms developed to predict the effect of missense changes on protein structure and function output the following: SIFT: "Tolerated"; PolyPhen-2: "Benign"; Align-GVGD: "Class C0". The glutamic acid amino acid residue is found in multiple mammalian species, suggesting that this missense change does not adversely affect protein function. These predictions have not been confirmed by published functional studies and their clinical significance is uncertain. This variant has not been reported in the literature in individuals with RP1-related conditions. This variant is not present in population databases (ExAC no frequency). This sequence change replaces alanine with glutamic acid at codon 610 of the RP1 protein (p.Ala610Glu). The alanine residue is moderately conserved and there is a moderate physicochemical difference between alanine and glutamic acid.

NM_006269.2(RP1):c.1829C>A (p.Ala610Glu)

Gene: RP1 (RP1 axonemal microtubule associated; plus strand). Cytogenetic location: 8q12.1.
Variant type: single nucleotide variant.
Coding change: c.1829C>A on transcript NM_006269.2 (MANE Select); coding-DNA position 1829, C replaced by A.
Protein change: p.Ala610Glu; replaces alanine 610 with glutamic acid.
Molecular consequence: missense variant. On other transcripts: intron variant (1).
Genome position (GRCh38, 1-based): chr8:54,625,711, C>A. VCF-style: chr8-54625711-C-A. GRCh37 (hg19) VCF-style: chr8-55538271-C-A.
Other names: c.787+3423C>A (NM_001375654.1); short protein forms A610E.
Identifiers: ClinVar variation 944860 (VCV000944860.9), dbSNP rs371344865, ClinGen allele CA177236875.